The following is an entry in ClinVar:

NM_002206.3(ITGA7):c.2612A>G (p.Asn871Ser)

Gene: ITGA7 (integrin subunit alpha 7; minus strand). Cytogenetic location: 12q13.2.
Variant type: single nucleotide variant.
Coding change: c.2612A>G on transcript NM_002206.3 (MANE Select); coding-DNA position 2612, A replaced by G.
Protein change: p.Asn871Ser; replaces asparagine 871 with serine.
Molecular consequence: missense variant.
Genome position (GRCh38, 1-based): chr12:55,693,241, T>C on the plus strand (A>G on the coding strand, the complement: ITGA7 is on the minus strand). VCF-style: chr12-55693241-T-C. GRCh37 (hg19) VCF-style: chr12-56087025-T-C.
Other names: c.2624A>G, p.Asn875Ser (NM_001144996.2); c.2333A>G, p.Asn778Ser (NM_001144997.2); c.2285A>G, p.Asn762Ser (NM_001367993.1); c.1268A>G, p.Asn423Ser (NM_001367994.1); c.2594A>G, p.Asn865Ser (NM_001374465.1); c.2744A>G, p.Asn915Ser (NM_001410977.1); c.2606A>G, p.Asn869Ser (NM_001414029.1); c.2537A>G, p.Asn846Ser (NM_001414030.1); and 5 more; short protein forms N778S, N762S, N865S, N875S, N423S, N871S, N915S, N796S.
Identifiers: ClinVar variation 850675 (VCV000850675.7), dbSNP rs768368830, ClinGen allele CA6615524.

ClinVar aggregate classification (germline): Uncertain significance (1 of 4 stars; one submission).

Conditions:
Congenital muscular dystrophy due to integrin alpha-7 deficiency. Also called: MYOPATHY, CONGENITAL, DUE TO INTEGRIN ALPHA-7 DEFICIENCY; Congenital muscular dystrophy with integrin alpha-7 deficiency; Muscular dystrophy, congenital, due to ITGA7 deficiency. Identifiers: Orphanet 34520, MedGen C2750786, MONDO:0013177, OMIM 613204.

Allele frequency attached by ClinVar (database versions not stated): ExAC 0.00001; gnomAD exomes 0.00001; TOPMed 0.00005; gnomAD 0.00006.
gnomAD v4.1: 18 of 1,613,938 alleles (0.0011%); highest among the groups gnomAD compares: African/African-American, 0.017%; no homozygotes.

Submission:

Labcorp Genetics (formerly Invitae), Labcorp
Classification: Uncertain significance for Congenital muscular dystrophy due to integrin alpha-7 deficiency. Last evaluated: 2022-07-19. Review status: criteria provided, single submitter. Criteria: Invitae Variant Classification Sherloc (09022015). Collection method: clinical testing. Allele origin: germline.
Comment: This sequence change replaces asparagine, which is neutral and polar, with serine, which is neutral and polar, at codon 871 of the ITGA7 protein (p.Asn871Ser). This variant is present in population databases (rs768368830, gnomAD 0.02%). This variant has not been reported in the literature in individuals affected with ITGA7-related conditions. ClinVar contains an entry for this variant (Variation ID: 850675). Algorithms developed to predict the effect of missense changes on protein structure and function are either unavailable or do not agree on the potential impact of this missense change (SIFT: "Tolerated"; PolyPhen-2: "Possibly Damaging"; Align-GVGD: "Class C0"). In summary, the available evidence is currently insufficient to determine the role of this variant in disease. Therefore, it has been classified as a Variant of Uncertain Significance.